The following is an entry in ClinVar:

ClinVar aggregate classification (germline): Conflicting classifications of pathogenicity. Review status: criteria provided, conflicting classifications (1 of 4 stars). 4 submissions from 4 submitters: Uncertain significance (1); Likely benign (3). Last evaluated 2025-09-19.

Conditions:
Hereditary cancer-predisposing syndrome. Also called: Tumor predisposition; Neoplastic Syndromes, Hereditary; Hereditary Cancer Syndrome; Hereditary neoplastic syndrome. Identifiers: Orphanet 140162, MedGen C0027672, MeSH D009386, MONDO:0015356.
Carney complex, type 1 (CNC1). Also called: CARNEY COMPLEX, TYPE I; CARNEY MYXOMA-ENDOCRINE COMPLEX. Identifiers: Orphanet 1359, MedGen C2607929, MONDO:0008057, OMIM 160980.
Albright hereditary osteodystrophy, pseudohypoparathyroidism, pseudopseudohypoparathyroidism, acrodysostosis and osteoma cutis.

Allele frequency attached by ClinVar (database versions not stated): gnomAD exomes below 0.00001; ExAC 0.00001; gnomAD 0.00001 and 0.00003; TOPMed 0.00003.
gnomAD v4.1: 9 of 1,614,022 alleles (0.00056%); highest among the groups gnomAD compares: African/African-American, 0.011%; no homozygotes.

Submissions (4):

Labcorp Genetics (formerly Invitae), Labcorp
Classification: Likely benign for Carney complex, type 1. Last evaluated: 2025-09-19. Review status: criteria provided, single submitter. Criteria: Invitae Variant Classification Sherloc (09022015). Collection method: clinical testing. Allele origin: germline.

Cambridge Genomics Laboratory, East Genomic Laboratory Hub, NHS Genomic Medicine Service
Classification: Uncertain significance for Albright hereditary osteodystrophy, pseudohypoparathyroidism, pseudopseudohypoparathyroidism, acrodysostosis and osteoma cutis. Last evaluated: 2025-06-04. Review status: criteria provided, single submitter. Criteria: ACGS Best Practice Guidelines for Variant Classification in Rare Disease 2020. Collection method: clinical testing. Allele origin: germline. Affected: yes.
Comment: BP4

Ambry Genetics
Classification: Likely benign for Hereditary cancer-predisposing syndrome. Last evaluated: 2023-02-17. Review status: criteria provided, single submitter. Criteria: Ambry Variant Classification Scheme 2023. Collection method: clinical testing. Allele origin: germline.

Blueprint Genetics
Classification: Likely benign. Last evaluated: 2022-12-23. Review status: criteria provided, single submitter. Criteria: ACMG Guidelines, 2015. Collection method: clinical testing. Allele origin: germline.

NM_002734.5(PRKAR1A):c.178-3C>T

Gene: PRKAR1A (protein kinase cAMP-dependent type I regulatory subunit alpha; plus strand). Cytogenetic location: 17q24.2.
Variant type: single nucleotide variant.
Coding change: c.178-3C>T on transcript NM_002734.5 (MANE Select); 3 bases into the intron before coding-DNA position 178, C replaced by T.
Molecular consequence: intron variant.
Genome position (GRCh38, 1-based): chr17:68,522,753, C>T. VCF-style: chr17-68522753-C-T. GRCh37 (hg19) VCF-style: chr17-66518894-C-T.
Other names: c.178-3C>T (NM_001278433.2, NM_001369389.1, NM_212471.3 and 4 more transcripts).
Identifiers: ClinVar variation 641487 (VCV000641487.15), dbSNP rs745980273, ClinGen allele CA8729190.